The following is an entry in ClinVar:

ClinVar aggregate classification (germline): Uncertain significance (1 of 4 stars; one submission).

Submission:

GeneDx
Classification: Uncertain significance. Last evaluated: 2025-01-19. Review status: criteria provided, single submitter. Criteria: GeneDx Variant Classification Process June 2021. Collection method: clinical testing. Allele origin: germline. Affected: yes.
Comment: Not observed at significant frequency in large population cohorts (gnomAD); In silico analysis supports that this missense variant has a deleterious effect on protein structure/function; Has not been previously published as pathogenic or benign to our knowledge

NM_019597.5(HNRNPH2):c.902C>T (p.Thr301Ile)

Genes: HNRNPH2 (heterogeneous nuclear ribonucleoprotein H2; plus strand), RPL36A-HNRNPH2 (RPL36A-HNRNPH2 readthrough; plus strand). Cytogenetic location: Xq22.1.
Variant type: single nucleotide variant.
Coding change: c.902C>T on transcript NM_019597.5 (MANE Select); coding-DNA position 902, C replaced by T.
Protein change: p.Thr301Ile; replaces threonine 301 with isoleucine.
Molecular consequence: missense variant. On other transcripts: 3 prime UTR variant (2).
Genome position (GRCh38, 1-based): chrX:101,412,890, C>T. VCF-style: chrX-101412890-C-T. GRCh37 (hg19) VCF-style: chrX-100667878-C-T.
Other names: c.*898C>T (NM_001199973.2, NM_001199974.2); c.902C>T, p.Thr301Ile (NM_001032393.3); short protein forms T301I.
Identifiers: ClinVar variation 4071684 (VCV004071684.1).